The following is an entry in ClinVar:

ClinVar aggregate classification (germline): Likely pathogenic (1 of 4 stars; one submission).

Conditions:
X-linked agammaglobulinemia (XLA). Also called: Agammaglobulinemia, Bruton tyrosine kinase; Agammaglobulinemia, BTK; BTK-deficiency; Bruton's agammaglobulinemia; Bruton-type agammaglobulinemia; AGAMMAGLOBULINEMIA, X-LINKED, TYPE 1. Identifiers: Orphanet 229717, Orphanet 47, MedGen C0221026, MONDO:0010421, OMIM 300755.

Submission:

Women's Health and Genetics/Laboratory Corporation of America, LabCorp
Classification: Likely pathogenic for X-linked agammaglobulinemia. Last evaluated: 2021-04-02. Review status: criteria provided, single submitter. Criteria: LabCorp Variant Classification Summary - May 2015. Collection method: clinical testing. Allele origin: germline.
Comment: Variant summary: BTK c.233delA (p.Gln78ArgfsX43) results in a premature termination codon, predicted to cause a truncation of the encoded protein or absence of the protein due to nonsense mediated decay, which are commonly known mechanisms for disease. Truncations downstream of this position have been classified as pathogenic by our laboratory. The variant was absent in 183270 control chromosomes (gnomAD). To our knowledge, no occurrence of c.233delA in individuals affected with X-Linked Agammaglobulinemia and no experimental evidence demonstrating its impact on protein function have been reported. No clinical diagnostic laboratories have submitted clinical-significance assessments for this variant to ClinVar after 2014. Based on the evidence outlined above, the variant was classified as likely pathogenic.

NM_000061.3(BTK):c.233del (p.Gln78fs)

Gene: BTK (Bruton tyrosine kinase; minus strand). Cytogenetic location: Xq22.1.
Variant type: Deletion.
Coding change: c.233del on transcript NM_000061.3 (MANE Select); coding-DNA position 233, one base deleted (A; older notation c.233delA).
Protein change: p.Gln78fs; shifts the reading frame from glutamine 78.
Molecular consequence: frameshift variant.
Genome position (GRCh38, 1-based): chrX:101,374,543, T deleted on the plus strand (A on the coding strand, the reverse complement: BTK is on the minus strand). VCF-style (leftmost placement, unchanged base first): chrX-101374542-CT-C. GRCh37 (hg19) VCF-style: chrX-100629530-CT-C.
Other names: c.335del, p.Gln112fs (NM_001287344.2); c.233del, p.Gln78fs (NM_001287345.2); short protein forms Q112fs, Q78fs.
Identifiers: ClinVar variation 1065150 (VCV001065150.1), dbSNP rs2147447513, ClinGen allele CA2499226264.